The following is an entry in ClinVar:

ClinVar aggregate classification (germline): Likely pathogenic (1 of 4 stars; one submission).

Allele frequency attached by ClinVar (database versions not stated): gnomAD exomes below 0.00001.
gnomAD v4.1: 2 of 1,614,128 alleles (0.00012%); highest among the groups gnomAD compares: South Asian, 0.0022%; no homozygotes.

Submission:

Labcorp Genetics (formerly Invitae), Labcorp
Classification: Likely pathogenic. Last evaluated: 2023-03-01. Review status: criteria provided, single submitter. Criteria: Invitae Variant Classification Sherloc (09022015). Collection method: clinical testing. Allele origin: germline.
Comment: This variant is not present in population databases (gnomAD no frequency). Disruption of this splice site has been observed in individual(s) with autosomal recessive retinitis pigmentosa (Invitae). Algorithms developed to predict the effect of sequence changes on RNA splicing suggest that this variant may disrupt the consensus splice site. In summary, the currently available evidence indicates that the variant is pathogenic, but additional data are needed to prove that conclusively. Therefore, this variant has been classified as Likely Pathogenic. This sequence change affects a donor splice site in intron 7 of the MAK gene. It is expected to disrupt RNA splicing. Variants that disrupt the donor or acceptor splice site typically lead to a loss of protein function (PMID: 16199547), and loss-of-function variants in MAK are known to be pathogenic (PMID: 21148103, 21825139, 24938718, 29781741).

Literature cited by the submitters: PubMed 16199547; PubMed 21148103; PubMed 21825139; PubMed 24938718; PubMed 29781741.

NM_001242957.3(MAK):c.831+1G>A

Gene: MAK (male germ cell associated kinase; minus strand). Cytogenetic location: 6p24.2.
Variant type: single nucleotide variant.
Coding change: c.831+1G>A on transcript NM_001242957.3 (MANE Select); the canonical splice donor site of the intron after coding-DNA position 831, G replaced by A.
Molecular consequence: splice donor variant.
Genome position (GRCh38, 1-based): chr6:10,801,891, C>T on the plus strand (G>A on the coding strand, the complement: MAK is on the minus strand). VCF-style: chr6-10801891-C-T. GRCh37 (hg19) VCF-style: chr6-10802124-C-T.
Other names: c.729+1G>A (NM_001377262.1); c.831+1G>A (NM_005906.6, NM_001242385.2).
Identifiers: ClinVar variation 2816552 (VCV002816552.3), dbSNP rs2127556087, ClinGen allele CA362719951.